The following is an entry in ClinVar:

ClinVar aggregate classification (germline): Uncertain significance. Review status: criteria provided, multiple submitters, no conflicts (2 of 4 stars). 3 submissions from 3 submitters: Uncertain significance (2). 1 of the submissions does not count toward it. Last evaluated 2024-02-17.

Conditions:
LYST-related disorder. Also called: LYST-related condition.
Chédiak-Higashi syndrome (CHS). Also called: Chediak-Higashi Syndrome. Identifiers: Orphanet 167, MedGen C0007965, MONDO:0008963, OMIM 214500.

Allele frequency attached by ClinVar (database versions not stated): TOPMed below 0.00001; ExAC 0.00001; gnomAD exomes 0.00001.
gnomAD v4.1: 19 of 1,576,164 alleles (0.0012%); highest among the groups gnomAD compares: Non-Finnish European, 0.0017%; no homozygotes.

Submissions (3):

Women's Health and Genetics/Laboratory Corporation of America, LabCorp
Classification: Uncertain significance. Last evaluated: 2024-02-17. Review status: criteria provided, single submitter. Criteria: LabCorp Variant Classification Summary - May 2015. Collection method: clinical testing. Allele origin: germline.
Comment: Variant summary: LYST c.8549A>G (p.Tyr2850Cys) results in a non-conservative amino acid change in the encoded protein sequence. Four of five in-silico tools predict a damaging effect of the variant on protein function. The variant allele was found at a frequency of 1.2e-05 in 250730 control chromosomes. The available data on variant occurrences in the general population are insufficient to allow any conclusion about variant significance. To our knowledge, no occurrence of c.8549A>G in individuals affected with Chediak-Higashi Syndrome and no experimental evidence demonstrating its impact on protein function have been reported. ClinVar contains an entry for this variant (Variation ID: 1381226). Based on the evidence outlined above, the variant was classified as uncertain significance.

Labcorp Genetics (formerly Invitae), Labcorp
Classification: Uncertain significance for Chédiak-Higashi syndrome. Last evaluated: 2021-09-01. Review status: criteria provided, single submitter. Criteria: Invitae Variant Classification Sherloc (09022015). Collection method: clinical testing. Allele origin: germline.
Comment: This sequence change replaces tyrosine with cysteine at codon 2850 of the LYST protein (p.Tyr2850Cys). The tyrosine residue is moderately conserved and there is a large physicochemical difference between tyrosine and cysteine. This variant is present in population databases (rs774190818, ExAC 0.002%). This variant has not been reported in the literature in individuals affected with LYST-related conditions. Algorithms developed to predict the effect of missense changes on protein structure and function output the following: SIFT: "Deleterious"; PolyPhen-2: "Benign"; Align-GVGD: "Class C0". The cysteine amino acid residue is found in multiple mammalian species, which suggests that this missense change does not adversely affect protein function. In summary, the available evidence is currently insufficient to determine the role of this variant in disease. Therefore, it has been classified as a Variant of Uncertain Significance.

PreventionGenetics, part of Exact Sciences
Classification: Uncertain significance for LYST-related condition. Last evaluated: 2024-02-21. Review status: no assertion criteria provided. Collection method: clinical testing. Allele origin: germline. Not counted in ClinVar's aggregate classification.
Comment: The LYST c.8549A>G variant is predicted to result in the amino acid substitution p.Tyr2850Cys. To our knowledge, this variant has not been reported in the literature. This variant is reported in 0.0026% of alleles in individuals of European (Non-Finnish) descent in gnomAD. At this time, the clinical significance of this variant is uncertain due to the absence of conclusive functional and genetic evidence.

NM_000081.4(LYST):c.8549A>G (p.Tyr2850Cys)

Gene: LYST (lysosomal trafficking regulator; minus strand). Cytogenetic location: 1q42.3.
Variant type: single nucleotide variant.
Coding change: c.8549A>G on transcript NM_000081.4 (MANE Select); coding-DNA position 8549, A replaced by G.
Protein change: p.Tyr2850Cys; replaces tyrosine 2850 with cysteine.
Molecular consequence: missense variant.
Genome position (GRCh38, 1-based): chr1:235,733,893, T>C on the plus strand (A>G on the coding strand, the complement: LYST is on the minus strand). VCF-style: chr1-235733893-T-C. GRCh37 (hg19) VCF-style: chr1-235897193-T-C.
Other names: c.8549A>G (NM_000081.3); c.8549A>G, p.Tyr2850Cys (NM_001301365.1); short protein forms Y2850C.
Identifiers: ClinVar variation 1381226 (VCV001381226.8), dbSNP rs774190818, ClinGen allele CA1465823.
Genomic context (GRCh38, chr1:235,733,893, plus strand): 5'-TGTTGATTATTGTTAACTGTTTTCTGCCAAGCAGCTTTATTCACTCCTTCTTCAGTTTCA[T>C]ATTTCTTTTGTTCCTAGAAGATTTAGATAATAATATACTATATAAAATTTATTATTTCTC-3'
Protein context (NP_000072.2, residues 2840-2860): IKMIKEEQKK[Tyr2850Cys]ETEEGVNKAA